The following is an entry in ClinVar:

ClinVar aggregate classification (germline): Likely benign. Review status: criteria provided, multiple submitters, no conflicts (2 of 4 stars). 4 submissions from 4 submitters: Likely benign (3). 1 of the submissions does not count toward it. Last evaluated 2026-01-27.

Conditions:
Nephronophthisis. Also called: Juvenile Nephronophthisis. Identifiers: Orphanet 655, MedGen C0687120, MONDO:0019005, HP:0000090.
Renal-hepatic-pancreatic dysplasia 1 (RHPD1). Identifiers: MedGen C3715199, MONDO:0008833, OMIM 208540.
Nephronophthisis 3 (NPHP3). Also called: Adolescent nephronophthisis. Identifiers: Orphanet 655, MedGen C1858392, MONDO:0011456, OMIM 604387.
NPHP3-related Meckel-like syndrome. Also called: GOLDSTON SYNDROME; Meckel syndrome type 7. Identifiers: Orphanet 3032, MedGen C2673885, MONDO:0009966, OMIM 267010.
NPHP3-related disorder. Also called: NPHP3-related condition; NPHP3-related disorders. Identifiers: MedGen CN379163.

Allele frequency attached by ClinVar (database versions not stated): gnomAD 0.00001; TOPMed 0.00006; gnomAD exomes 0.00018; ExAC 0.00021.

Submissions (4):

Labcorp Genetics (formerly Invitae), Labcorp
Classification: Likely benign for Nephronophthisis. Last evaluated: 2026-01-27. Review status: criteria provided, single submitter. Criteria: Invitae Variant Classification Sherloc (09022015). Collection method: clinical testing. Allele origin: germline.

Fulgent Genetics
Classification: Likely benign for Renal-hepatic-pancreatic dysplasia 1; NPHP3-related Meckel-like syndrome; Nephronophthisis 3. Last evaluated: 2021-09-23. Review status: criteria provided, single submitter. Criteria: ACMG Guidelines, 2015. Collection method: clinical testing. Allele origin: unknown.

Blueprint Genetics
Classification: Likely benign. Last evaluated: 2020-09-16. Review status: criteria provided, single submitter. Criteria: ACMG Guidelines, 2015. Collection method: clinical testing. Allele origin: germline.

PreventionGenetics, part of Exact Sciences
Classification: Likely benign for NPHP3-related condition. Last evaluated: 2021-04-07. Review status: no assertion criteria provided. Collection method: clinical testing. Allele origin: germline. Not counted in ClinVar's aggregate classification.
Comment: This variant is classified as likely benign based on ACMG/AMP sequence variant interpretation guidelines (Richards et al. 2015 PMID: 25741868, with internal and published modifications).

NM_153240.5(NPHP3):c.3135A>G (p.Gln1045=)

Genes: NPHP3 (nephrocystin 3; minus strand), NPHP3-ACAD11 (NPHP3-ACAD11 readthrough (NMD candidate); minus strand). Cytogenetic location: 3q22.1.
Variant type: single nucleotide variant.
Coding change: c.3135A>G on transcript NM_153240.5 (MANE Select); coding-DNA position 3135, A replaced by G.
Protein change: p.Gln1045=; no amino-acid change (glutamine 1045 retained).
Molecular consequence: synonymous variant. On other transcripts: non-coding transcript variant (1).
Genome position (GRCh38, 1-based): chr3:132,687,217, T>C on the plus strand (A>G on the coding strand, the complement: NPHP3 is on the minus strand). VCF-style: chr3-132687217-T-C. GRCh37 (hg19) VCF-style: chr3-132406061-T-C.
Identifiers: ClinVar variation 700294 (VCV000700294.13), dbSNP rs745568685, ClinGen allele CA2621824.
Genomic context (GRCh38, chr3:132,687,217, plus strand): 5'-GCCTTTTTTCTTTATAGCTTTCTGATGAATTTTAAAGGATTTTTTCCTAAAATGTTCAGC[T>C]TGTTCATATCTTAAAAAAAAATTACAGTAAGTCAAACAAAAGAAACATATTCAAAGTATA-3'
Protein context (NP_694972.3, residues 1035-1055): TLYQKQNKYE[Gln1045=]AEHFRKKSFK